The following is an entry in ClinVar:

ClinVar aggregate classification (germline): Uncertain significance (1 of 4 stars; one submission).

Conditions:
Hereditary cancer-predisposing syndrome. Also called: Tumor predisposition; Hereditary Cancer Syndrome; Hereditary neoplastic syndrome; Neoplastic Syndromes, Hereditary. Identifiers: Orphanet 140162, MedGen C0027672, MeSH D009386, MONDO:0015356.

Submission:

Ambry Genetics
Classification: Uncertain significance for Hereditary cancer-predisposing syndrome. Last evaluated: 2025-02-17. Review status: criteria provided, single submitter. Criteria: Ambry Variant Classification Scheme 2023. Collection method: clinical testing. Allele origin: germline.
Comment: The p.R391S variant (also known as c.1173A>T), located in coding exon 8 of the RAD50 gene, results from an A to T substitution at nucleotide position 1173. The arginine at codon 391 is replaced by serine, an amino acid with dissimilar properties. This variant was not reported in population based cohorts in the following databases: Database of Single Nucleotide Polymorphisms (dbSNP), NHLBI Exome Sequencing Project (ESP), and 1000 Genomes Project. In the ESP, this variant was not observed in 6503 samples (13006 alleles) with coverage at this position. To date, this alteration has been detected with an allele frequency of approximately 0.001% (greater than 175000 alleles tested) in our clinical cohort. This amino acid position is well conserved in available vertebrate species. In addition, this alteration is predicted to be tolerated by in silico analysis. Since supporting evidence is limited at this time, the clinical significance of this alteration remains unclear.

NM_005732.4(RAD50):c.1173A>T (p.Arg391Ser)

Gene: RAD50 (RAD50 double strand break repair protein; plus strand). Cytogenetic location: 5q31.1.
Variant type: single nucleotide variant.
Coding change: c.1173A>T on transcript NM_005732.4 (MANE Select); coding-DNA position 1173, A replaced by T.
Protein change: p.Arg391Ser; replaces arginine 391 with serine.
Molecular consequence: missense variant.
Genome position (GRCh38, 1-based): chr5:132,588,808, A>T. VCF-style: chr5-132588808-A-T. GRCh37 (hg19) VCF-style: chr5-131924500-A-T.
Other names: short protein forms R391S.
Identifiers: ClinVar variation 486248 (VCV000486248.6), dbSNP rs876659781, ClinGen allele CA360942774.